The following is an entry in ClinVar:

NM_001083619.3(GRIA2):c.688G>A (p.Val230Ile)

Gene: GRIA2 (glutamate ionotropic receptor AMPA type subunit 2; plus strand). Cytogenetic location: 4q32.1.
Variant type: single nucleotide variant.
Coding change: c.688G>A on transcript NM_001083619.3 (MANE Select); coding-DNA position 688, G replaced by A.
Protein change: p.Val230Ile; replaces valine 230 with isoleucine.
Molecular consequence: missense variant.
Genome position (GRCh38, 1-based): chr4:157,317,679, G>A. VCF-style: chr4-157317679-G-A. GRCh37 (hg19) VCF-style: chr4-158238831-G-A.
Other names: c.688G>A, p.Val230Ile (NM_000826.6); c.547G>A, p.Val183Ile (NM_001083620.3, NM_001379000.3, NM_001379001.3); short protein forms V183I, V230I.
Identifiers: ClinVar variation 3051768 (VCV003051768.3), dbSNP rs199950609, ClinGen allele CA3120227.
Genomic context (GRCh38, chr4:157,317,679, plus strand): 5'-TTTGTATTAATTAAATAATTACTTATTTGTGCTTATTAGGTTATTACCATTGGAAAACAT[G>A]TTAAAGGGTACCACTACATCATTGCAAATCTGGTAGGTGAATTAATTGGTATATATTATT-3'
Protein context (NP_001077088.2, residues 220-240): VDQVITIGKH[Val230Ile]KGYHYIIANL

ClinVar aggregate classification (germline): Uncertain significance. Review status: criteria provided, single submitter (1 of 4 stars). 2 submissions from 2 submitters: Uncertain significance (1). 1 of the submissions does not count toward it. Last evaluated 2023-08-22.

Conditions:
GRIA2-related disorder. Also called: GRIA2-related condition.

Allele frequency attached by ClinVar (database versions not stated): 1000 Genomes Project 30x 0.00016; 1000 Genomes Project 0.00020; gnomAD 0.00025; gnomAD exomes 0.00026; ExAC 0.00027; TOPMed 0.00031.
gnomAD v4.1: 310 of 1,219,192 alleles (0.025%); highest among the groups gnomAD compares: East Asian, 0.067%; no homozygotes.

Submissions (2):

Clinical Genetics Laboratory, Skane University Hospital Lund
Classification: Uncertain significance. Last evaluated: 2023-08-22. Review status: criteria provided, single submitter. Criteria: ACMG Guidelines, 2015. Collection method: clinical testing. Allele origin: germline. Affected: yes.

PreventionGenetics, part of Exact Sciences
Classification: Likely benign for GRIA2-related condition. Last evaluated: 2022-09-13. Review status: no assertion criteria provided. Collection method: clinical testing. Allele origin: germline. Not counted in ClinVar's aggregate classification.
Comment: This variant is classified as likely benign based on ACMG/AMP sequence variant interpretation guidelines (Richards et al. 2015 PMID: 25741868, with internal and published modifications).